The following is an entry in ClinVar:

NM_002148.4(HOXD10):c.*468A>T

Gene: HOXD10 (homeobox D10; plus strand). Cytogenetic location: 2q31.1.
Variant type: single nucleotide variant.
Coding change: c.*468A>T on transcript NM_002148.4 (MANE Select); 468 bases downstream of the stop codon, A replaced by T.
Molecular consequence: 3 prime UTR variant.
Genome position (GRCh38, 1-based): chr2:176,119,699, A>T. VCF-style: chr2-176119699-A-T. GRCh37 (hg19) VCF-style: chr2-176984427-A-T.
Identifiers: ClinVar variation 332505 (VCV000332505.29), dbSNP rs532592274, ClinGen allele CA10611956.
Genomic context (GRCh38, chr2:176,119,699, plus strand): 5'-AGTCCATGAACTCATGGCATTTTGAATACATCCAGTACTTTAAAAATGACATATATATTT[A>T]AAAAAAAAAGATTAAGAAAACCCACAAGTTGGAGGGAGGGGGACTTAAAAAGCACATTAC-3'

ClinVar aggregate classification (germline): Conflicting classifications of pathogenicity. Review status: criteria provided, conflicting classifications (1 of 4 stars). 2 submissions from 2 submitters: Uncertain significance (1); Benign (1). Last evaluated 2022-09-01.

Conditions:
Congenital vertical talus. Also called: PES VALGUS, CONGENITAL CONVEX; Rocker-bottom foot deformity. Identifiers: Orphanet 178382, MedGen C0240912, MONDO:0008652, OMIM 192950, HP:0001838.

Allele frequency attached by ClinVar (database versions not stated): 1000 Genomes Project 0.00060; TOPMed 0.00241; gnomAD 0.00269 and 0.00271.

Submissions (2):

CeGaT Center for Human Genetics Tuebingen
Classification: Benign. Last evaluated: 2022-09-01. Review status: criteria provided, single submitter. Criteria: CeGaT Center For Human Genetics Tuebingen Variant Classification Criteria Version 2. Collection method: clinical testing. Allele origin: germline. Affected: yes. Observed: 2 variant alleles.
Comment: HOXD10: BS1, BS2

Illumina Laboratory Services, Illumina
Classification: Uncertain significance for Congenital vertical talus. Last evaluated: 2018-01-12. Review status: criteria provided, single submitter. Criteria: ICSL Variant Classification Criteria 13 December 2019. Collection method: clinical testing. Allele origin: germline.